The following is an entry in ClinVar:

NM_000179.3(MSH6):c.1778A>T (p.Gln593Leu)

Gene: MSH6 (mutS homolog 6; plus strand). Cytogenetic location: 2p16.3.
Variant type: single nucleotide variant.
Coding change: c.1778A>T on transcript NM_000179.3 (MANE Select); coding-DNA position 1778, A replaced by T.
Protein change: p.Gln593Leu; replaces glutamine 593 with leucine.
Molecular consequence: missense variant.
Genome position (GRCh38, 1-based): chr2:47,799,761, A>T. VCF-style: chr2-47799761-A-T. GRCh37 (hg19) VCF-style: chr2-48026900-A-T.
Other names: c.1388A>T, p.Gln463Leu (NM_001281492.2); c.872A>T, p.Gln291Leu (NM_001281493.2, NM_001281494.2); c.1778A>T (NM_000179.2); short protein forms Q463L, Q593L, Q291L.
Identifiers: ClinVar variation 1386488 (VCV001386488.7), dbSNP rs2104367077, ClinGen allele CA346749222.

ClinVar aggregate classification (germline): Uncertain significance. Review status: criteria provided, multiple submitters, no conflicts (2 of 4 stars). 2 submissions from 2 submitters: Uncertain significance (2). Last evaluated 2025-06-25.

Conditions:
Hereditary nonpolyposis colorectal neoplasms. Identifiers: MedGen C0009405, MeSH D003123.
Hereditary cancer-predisposing syndrome. Also called: Neoplastic Syndromes, Hereditary; Tumor predisposition; Hereditary neoplastic syndrome; Hereditary Cancer Syndrome. Identifiers: Orphanet 140162, MedGen C0027672, MeSH D009386, MONDO:0015356.

Submissions (2):

Labcorp Genetics (formerly Invitae), Labcorp
Classification: Uncertain significance for Hereditary nonpolyposis colorectal neoplasms. Last evaluated: 2025-06-25. Review status: criteria provided, single submitter. Criteria: Invitae Variant Classification Sherloc (09022015). Collection method: clinical testing. Allele origin: germline.
Comment: This sequence change replaces glutamine, which is neutral and polar, with leucine, which is neutral and non-polar, at codon 593 of the MSH6 protein (p.Gln593Leu). This variant is not present in population databases (gnomAD no frequency). This variant has not been reported in the literature in individuals affected with MSH6-related conditions. ClinVar contains an entry for this variant (Variation ID: 1386488). Invitae Evidence Modeling of protein sequence and biophysical properties (such as structural, functional, and spatial information, amino acid conservation, physicochemical variation, residue mobility, and thermodynamic stability) indicates that this missense variant is not expected to disrupt MSH6 protein function with a negative predictive value of 95%. In summary, the available evidence is currently insufficient to determine the role of this variant in disease. Therefore, it has been classified as a Variant of Uncertain Significance.

Ambry Genetics
Classification: Uncertain significance for Hereditary cancer-predisposing syndrome. Last evaluated: 2023-03-03. Review status: criteria provided, single submitter. Criteria: Ambry Variant Classification Scheme 2023. Collection method: clinical testing. Allele origin: germline.
Comment: The p.Q593L variant (also known as c.1778A>T), located in coding exon 4 of the MSH6 gene, results from an A to T substitution at nucleotide position 1778. The glutamine at codon 593 is replaced by leucine, an amino acid with dissimilar properties. This amino acid position is conserved. In addition, the in silico prediction for this alteration is inconclusive. Since supporting evidence is limited at this time, the clinical significance of this alteration remains unclear.